The following is an entry in ClinVar:

NM_000455.5(STK11):c.657C>G (p.Phe219Leu)

Gene: STK11 (serine/threonine kinase 11; plus strand). Cytogenetic location: 19p13.3.
Variant type: single nucleotide variant.
Coding change: c.657C>G on transcript NM_000455.5 (MANE Select); coding-DNA position 657, C replaced by G.
Protein change: p.Phe219Leu; replaces phenylalanine 219 with leucine.
Molecular consequence: missense variant. On other transcripts: non-coding transcript variant (1).
Genome position (GRCh38, 1-based): chr19:1,220,640, C>G. VCF-style: chr19-1220640-C-G. GRCh37 (hg19) VCF-style: chr19-1220639-C-G.
Other names: c.657C>G, p.Phe219Leu (NM_001407255.1); short protein forms F219L.
Identifiers: ClinVar variation 3963256 (VCV003963256.1).

ClinVar aggregate classification (germline): Uncertain significance (1 of 4 stars; one submission).

Conditions:
Hereditary cancer-predisposing syndrome. Also called: Tumor predisposition; Hereditary neoplastic syndrome; Hereditary Cancer Syndrome; Neoplastic Syndromes, Hereditary. Identifiers: Orphanet 140162, MedGen C0027672, MeSH D009386, MONDO:0015356.

Submission:

Ambry Genetics
Classification: Uncertain significance for Hereditary cancer-predisposing syndrome. Last evaluated: 2025-03-24. Review status: criteria provided, single submitter. Criteria: Ambry Variant Classification Scheme 2023. Collection method: clinical testing. Allele origin: germline.
Comment: The p.F219L variant (also known as c.657C>G), located in coding exon 5 of the STK11 gene, results from a C to G substitution at nucleotide position 657. The phenylalanine at codon 219 is replaced by leucine, an amino acid with highly similar properties. This amino acid position is conserved. In addition, this alteration is predicted to be deleterious by in silico analysis. Based on the available evidence, the clinical significance of this variant remains unclear.